The following is an entry in ClinVar:

NM_139076.3(ABRAXAS1):c.721G>A (p.Asp241Asn)

Gene: ABRAXAS1 (abraxas 1, BRCA1 A complex subunit; minus strand). Cytogenetic location: 4q21.23.
Variant type: single nucleotide variant.
Coding change: c.721G>A on transcript NM_139076.3 (MANE Select); coding-DNA position 721, G replaced by A.
Protein change: p.Asp241Asn; replaces aspartic acid 241 with asparagine.
Molecular consequence: missense variant.
Genome position (GRCh38, 1-based): chr4:83,463,569, C>T on the plus strand (G>A on the coding strand, the complement: ABRAXAS1 is on the minus strand). VCF-style: chr4-83463569-C-T. GRCh37 (hg19) VCF-style: chr4-84384722-C-T.
Other names: c.394G>A, p.Asp132Asn (NM_001345962.2); short protein forms D241N, D132N.
Identifiers: ClinVar variation 2449154 (VCV002449154.2), dbSNP rs2529422058, ClinGen allele CA357256926.

ClinVar aggregate classification (germline): Uncertain significance (1 of 4 stars; one submission).

Allele frequency attached by ClinVar (database versions not stated): gnomAD exomes below 0.00001.

Submission:

Ambry Genetics
Classification: Uncertain significance. Last evaluated: 2023-02-27. Review status: criteria provided, single submitter. Criteria: Ambry Variant Classification Scheme 2023. Collection method: clinical testing. Allele origin: germline.
Comment: The p.D241N variant (also known as c.721G>A), located in coding exon 8 of the FAM175A gene, results from a G to A substitution at nucleotide position 721. The aspartic acid at codon 241 is replaced by asparagine, an amino acid with highly similar properties. This amino acid position is conserved. In addition, this alteration is predicted to be tolerated by in silico analysis. Since supporting evidence is limited at this time, the clinical significance of this alteration remains unclear.